The following is an entry in ClinVar:

ClinVar aggregate classification (germline): Uncertain significance. Review status: criteria provided, multiple submitters, no conflicts (2 of 4 stars). 4 submissions from 4 submitters: Uncertain significance (4). Last evaluated 2025-11-03.

Conditions:
DYRK1A-related disorder.
DYRK1A-related intellectual disability syndrome (MRD7). Also called: DYRK1A Syndrome; Intellectual developmental disorder, autosomal dominant 7. Identifiers: Orphanet 464306, MedGen C5568143, MONDO:0013578, OMIM 614104.

Submissions (4):

PreventionGenetics, part of Exact Sciences
Classification: Uncertain significance for DYRK1A-related condition. Last evaluated: 2025-11-03. Review status: criteria provided, single submitter. Criteria: ACMG Guidelines, 2015. Collection method: clinical testing. Allele origin: germline.
Comment: The DYRK1A c.390G>C variant is predicted to result in the amino acid substitution p.Lys130Asn. To our knowledge, this variant has not been reported in the literature or in a large population database (gnomAD), indicating this variant is rare. At this time, the clinical significance of this variant is uncertain due to the absence of conclusive functional and genetic evidence.

GeneDx
Classification: Uncertain significance. Last evaluated: 2021-07-22. Review status: criteria provided, single submitter. Criteria: GeneDx Variant Classification Process June 2021. Collection method: clinical testing. Allele origin: germline. Affected: yes.
Comment: Has not been previously published as pathogenic or benign to our knowledge; Not observed at significant frequency in large population cohorts (Lek et al., 2016); In silico analysis supports that this missense variant has a deleterious effect on protein structure/function; This variant is associated with the following publications: (PMID: 25641759)

Labcorp Genetics (formerly Invitae), Labcorp
Classification: Uncertain significance for DYRK1A-related intellectual disability syndrome. Last evaluated: 2019-03-06. Review status: criteria provided, single submitter. Criteria: Invitae Variant Classification Sherloc (09022015). Collection method: clinical testing. Allele origin: germline.
Comment: This variant has not been reported in the literature in individuals with DYRK1A-related conditions. ClinVar contains an entry for this variant (Variation ID: 435009). This variant is not present in population databases (ExAC no frequency). This sequence change replaces lysine with asparagine at codon 130 of the DYRK1A protein (p.Lys130Asn). The lysine residue is highly conserved and there is a moderate physicochemical difference between lysine and asparagine. Algorithms developed to predict the effect of missense changes on protein structure and function are either unavailable or do not agree on the potential impact of this missense change (SIFT: "Deleterious"; PolyPhen-2: "Probably Damaging"; Align-GVGD: "Class C0"). In summary, the available evidence is currently insufficient to determine the role of this variant in disease. Therefore, it has been classified as a Variant of Uncertain Significance.

Genetic Services Laboratory, University of Chicago
Classification: Uncertain significance. Last evaluated: 2015-11-11. Review status: criteria provided, single submitter. Criteria: ACMG Guidelines, 2015. Collection method: clinical testing. Allele origin: germline. Affected: no.

NM_001347721.2(DYRK1A):c.363G>C (p.Lys121Asn)

Gene: DYRK1A (dual specificity tyrosine phosphorylation regulated kinase 1A; plus strand). Cytogenetic location: 21q22.13.
Variant type: single nucleotide variant.
Coding change: c.363G>C on transcript NM_001347721.2 (MANE Select); coding-DNA position 363, G replaced by C.
Protein change: p.Lys121Asn; replaces lysine 121 with asparagine.
Molecular consequence: missense variant.
Genome position (GRCh38, 1-based): chr21:37,480,700, G>C. VCF-style: chr21-37480700-G-C. GRCh37 (hg19) VCF-style: chr21-38853002-G-C.
Other names: c.363G>C, p.Lys121Asn (NM_001347722.2, NM_130436.2); c.276G>C, p.Lys92Asn (NM_001347723.2); c.390G>C, p.Lys130Asn (NM_001396.5, NM_101395.2, NM_130438.2); c.390G>C (NM_001396.4); short protein forms K130N, K92N, K121N.
Identifiers: ClinVar variation 435009 (VCV000435009.18), dbSNP rs991834315, ClinGen allele CA409944175.